The following is an entry in ClinVar:

NM_002742.3(PRKD1):c.1670A>T (p.His557Leu)

Gene: PRKD1 (protein kinase D1; minus strand). Cytogenetic location: 14q12.
Variant type: single nucleotide variant.
Coding change: c.1670A>T on transcript NM_002742.3 (MANE Select); coding-DNA position 1670, A replaced by T.
Protein change: p.His557Leu; replaces histidine 557 with leucine.
Molecular consequence: missense variant.
Genome position (GRCh38, 1-based): chr14:29,630,744, T>A on the plus strand (A>T on the coding strand, the complement: PRKD1 is on the minus strand). VCF-style: chr14-29630744-T-A. GRCh37 (hg19) VCF-style: chr14-30099950-T-A.
Other names: c.1694A>T, p.His565Leu (NM_001330069.2); c.1406A>T, p.His469Leu (NM_001348390.1); short protein forms H469L, H557L, H565L.
Identifiers: ClinVar variation 3372243 (VCV003372243.1).

ClinVar aggregate classification (germline): Uncertain significance (1 of 4 stars; one submission).

Submission:

GeneDx
Classification: Uncertain significance. Last evaluated: 2024-04-11. Review status: criteria provided, single submitter. Criteria: GeneDx Variant Classification Process June 2021. Collection method: clinical testing. Allele origin: germline. Affected: yes.
Comment: Not observed at significant frequency in large population cohorts (gnomAD); In silico analysis supports that this missense variant has a deleterious effect on protein structure/function; Has not been previously published as pathogenic or benign to our knowledge